The following is an entry in ClinVar:

ClinVar aggregate classification (germline): Uncertain significance (1 of 4 stars; one submission).

Allele frequency attached by ClinVar (database versions not stated): gnomAD exomes below 0.00001.
gnomAD v4.1: 1 of 1,212,292 alleles (0.000082%); highest among the groups gnomAD compares: Non-Finnish European, 0.00011%; no homozygotes.

Submission:

Labcorp Genetics (formerly Invitae), Labcorp
Classification: Uncertain significance. Last evaluated: 2025-10-06. Review status: criteria provided, single submitter. Criteria: Invitae Variant Classification Sherloc (09022015). Collection method: clinical testing. Allele origin: germline.
Comment: This sequence change replaces tyrosine, which is neutral and polar, with cysteine, which is neutral and slightly polar, at codon 373 of the ATP6AP1 protein (p.Tyr373Cys). This variant is present in population databases (no rsID available, gnomAD 0.001%). This variant has not been reported in the literature in individuals affected with ATP6AP1-related conditions. ClinVar contains an entry for this variant (Variation ID: 2718460). Invitae Evidence Modeling of protein sequence and biophysical properties (such as structural, functional, and spatial information, amino acid conservation, physicochemical variation, residue mobility, and thermodynamic stability) indicates that this missense variant is not expected to disrupt ATP6AP1 protein function with a negative predictive value of 80%. In summary, the available evidence is currently insufficient to determine the role of this variant in disease. Therefore, it has been classified as a Variant of Uncertain Significance.

NM_001183.6(ATP6AP1):c.1118A>G (p.Tyr373Cys)

Gene: ATP6AP1 (ATPase H+ transporting accessory protein 1; plus strand). Cytogenetic location: Xq28.
Variant type: single nucleotide variant.
Coding change: c.1118A>G on transcript NM_001183.6 (MANE Select); coding-DNA position 1118, A replaced by G.
Protein change: p.Tyr373Cys; replaces tyrosine 373 with cysteine.
Molecular consequence: missense variant.
Genome position (GRCh38, 1-based): chrX:154,435,420, A>G. VCF-style: chrX-154435420-A-G. GRCh37 (hg19) VCF-style: chrX-153663766-A-G.
Other names: short protein forms Y373C.
Identifiers: ClinVar variation 2718460 (VCV002718460.3), dbSNP rs1557197511, ClinGen allele CA415196116.